The following is an entry in ClinVar:

ClinVar aggregate classification (germline): Likely benign (1 of 4 stars; one submission).

Allele frequency attached by ClinVar (database versions not stated): ExAC 0.00001.
gnomAD v4.1: 2 of 1,613,778 alleles (0.00012%); highest among the groups gnomAD compares: Admixed American, 0.0017%; no homozygotes.

Submission:

CeGaT Center for Human Genetics Tuebingen
Classification: Likely benign. Last evaluated: 2024-01-01. Review status: criteria provided, single submitter. Criteria: CeGaT Center For Human Genetics Tuebingen Variant Classification Criteria Version 2. Collection method: clinical testing. Allele origin: germline. Affected: yes. Observed: 1 variant allele.
Comment: AFF3: BP4, BP7

NM_001386135.1(AFF3):c.2202C>T (p.Ile734=)

Gene: AFF3 (ALF transcription elongation factor 3; minus strand). Cytogenetic location: 2q11.2.
Variant type: single nucleotide variant.
Coding change: c.2202C>T on transcript NM_001386135.1 (MANE Select); coding-DNA position 2202, C replaced by T.
Protein change: p.Ile734=; no amino-acid change (isoleucine 734 retained).
Molecular consequence: synonymous variant.
Genome position (GRCh38, 1-based): chr2:99,593,459, G>A on the plus strand (C>T on the coding strand, the complement: AFF3 is on the minus strand). VCF-style: chr2-99593459-G-A. GRCh37 (hg19) VCF-style: chr2-100209921-G-A.
Other names: c.2277C>T, p.Ile759= (NM_001025108.2); c.2202C>T, p.Ile734= (NM_002285.3).
Identifiers: ClinVar variation 3025493 (VCV003025493.22), dbSNP rs780306052, ClinGen allele CA1800941.